The following is an entry in ClinVar:

ClinVar aggregate classification (germline): Uncertain significance (1 of 4 stars; one submission).

gnomAD v4.1: 1 of 1,613,906 alleles (0.000062%); highest among the groups gnomAD compares: Non-Finnish European, 0.000085%; no homozygotes.

Submission:

GeneDx
Classification: Uncertain significance. Last evaluated: 2023-11-30. Review status: criteria provided, single submitter. Criteria: GeneDx Variant Classification Process June 2021. Collection method: clinical testing. Allele origin: germline. Affected: yes.
Comment: Not observed at significant frequency in large population cohorts (gnomAD); In silico analysis supports that this missense variant has a deleterious effect on protein structure/function; Has not been previously published as pathogenic or benign to our knowledge

NM_003097.6(SNRPN):c.698C>T (p.Pro233Leu)

Genes: SNHG14 (small nucleolar RNA host gene 14; plus strand), SNRPN (small nuclear ribonucleoprotein polypeptide N; plus strand), SNURF (SNRPN upstream open reading frame; plus strand). Cytogenetic location: 15q11.2.
Variant type: single nucleotide variant.
Coding change: c.698C>T on transcript NM_003097.6 (MANE Select); coding-DNA position 698, C replaced by T.
Protein change: p.Pro233Leu; replaces proline 233 with leucine.
Molecular consequence: missense variant. On other transcripts: 3 prime UTR variant (1), intron variant (2), non-coding transcript variant (1).
Genome position (GRCh38, 1-based): chr15:24,978,419, C>T. VCF-style: chr15-24978419-C-T. GRCh37 (hg19) VCF-style: chr15-25223566-C-T.
Other names: c.698C>T, p.Pro233Leu (NM_001400744.1, NM_001400745.1, NM_001400746.1 and 97 more transcripts); c.674C>T, p.Pro225Leu (NM_001400767.1, NM_001378257.1, NM_001378256.1); c.434C>T, p.Pro145Leu (NM_001400768.1); c.*886C>T (NM_005678.5); c.686-3C>T (NM_001400764.1, NM_001400765.1); c.710C>T, p.Pro237Leu (NM_001378251.1, NM_001378252.1, NM_001378253.1 and 2 more transcripts); short protein forms P145L, P225L, P233L, P237L.
Identifiers: ClinVar variation 3365038 (VCV003365038.1).
Genomic context (GRCh38, chr15:24,978,419, plus strand): 5'-CTGAATATGTGTATCCTCTTTTTCTCAATGTTTCTATTTCCTTTCCAGGTCCACCTCCCC[C>T]AGGAATGCGTCCACCAAGACCTTAGCATACTGTTGATCCATCTCAGTCACTTTTTCCCCT-3'
Protein context (NP_003088.1, residues 223-240): PPPGIRGPPP[Pro233Leu]GMRPPRP